The following is an entry in ClinVar:

NM_007375.4(TARDBP):c.743T>A (p.Leu248Ter)

Gene: TARDBP (TAR DNA binding protein; plus strand). Cytogenetic location: 1p36.22.
Variant type: single nucleotide variant.
Coding change: c.743T>A on transcript NM_007375.4 (MANE Select); coding-DNA position 743, T replaced by A.
Protein change: p.Leu248Ter; replaces leucine 248 with a stop codon.
Molecular consequence: nonsense.
Genome position (GRCh38, 1-based): chr1:11,022,152, T>A. VCF-style: chr1-11022152-T-A. GRCh37 (hg19) VCF-style: chr1-11082209-T-A.
Other names: short protein forms L248*.
Identifiers: ClinVar variation 3758534 (VCV003758534.2).
Genomic context (GRCh38, chr1:11,022,152, plus strand): 5'-TCTTCTTTGTTTACATCCCTTATTTCTTATAGATTGCGCAGTCTCTTTGTGGAGAGGACT[T>A]GATCATTAAAGGAATCAGCGTTCATATATCCAATGCCGAACCTAAGCACAATAGCAATAG-3'

ClinVar aggregate classification (germline): Uncertain significance (1 of 4 stars; one submission).

Conditions:
FRONTOTEMPORAL LOBAR DEGENERATION WITH TDP43 INCLUSIONS, TARDBP-RELATED. Also called: Frontotemporal lobar degeneration, TARDBP-related. Identifiers: MedGen C3150169, OMIM 612069.
Amyotrophic lateral sclerosis type 10 (ALS10). Also called: AMYOTROPHIC LATERAL SCLEROSIS 10 WITHOUT FRONTOTEMPORAL DEMENTIA AND WITH TDP43 INCLUSIONS; AMYOTROPHIC LATERAL SCLEROSIS 10 WITH OR WITHOUT FRONTOTEMPORAL DEMENTIA AND WITH TDP43 INCLUSIONS; AMYOTROPHIC LATERAL SCLEROSIS 10 WITH OR WITHOUT FRONTOTEMPORAL DEMENTIA; TARDBP-Related Amyotrophic Lateral Sclerosis-Frontotemporal Dementia; Amyotrophic lateral sclerosis 10, with or without FTD. Identifiers: Orphanet 275872, Orphanet 803, MedGen C2677565, MONDO:0012790, OMIM 612069.

Submission:

Labcorp Genetics (formerly Invitae), Labcorp
Classification: Uncertain significance for Amyotrophic lateral sclerosis type 10; FRONTOTEMPORAL LOBAR DEGENERATION WITH TDP43 INCLUSIONS, TARDBP-RELATED. Last evaluated: 2024-09-10. Review status: criteria provided, single submitter. Criteria: Invitae Variant Classification Sherloc (09022015). Collection method: clinical testing. Allele origin: germline.
Comment: This sequence change creates a premature translational stop signal (p.Leu248*) in the TARDBP gene. While this is not anticipated to result in nonsense mediated decay, it is expected to disrupt the last 167 amino acid(s) of the TARDBP protein. This variant is not present in population databases (gnomAD no frequency). This variant has not been reported in the literature in individuals affected with TARDBP-related conditions. Algorithms developed to predict the effect of sequence changes on RNA splicing suggest that this variant may disrupt the consensus splice site. In summary, the available evidence is currently insufficient to determine the role of this variant in disease. Therefore, it has been classified as a Variant of Uncertain Significance.